The following is an entry in ClinVar:

NM_025137.4(SPG11):c.6491C>T (p.Thr2164Ile)

Gene: SPG11 (SPG11 vesicle trafficking associated, spatacsin; minus strand). Cytogenetic location: 15q21.1.
Variant type: single nucleotide variant.
Coding change: c.6491C>T on transcript NM_025137.4 (MANE Select); coding-DNA position 6491, C replaced by T.
Protein change: p.Thr2164Ile; replaces threonine 2164 with isoleucine.
Molecular consequence: missense variant.
Genome position (GRCh38, 1-based): chr15:44,569,492, G>A on the plus strand (C>T on the coding strand, the complement: SPG11 is on the minus strand). VCF-style: chr15-44569492-G-A. GRCh37 (hg19) VCF-style: chr15-44861690-G-A.
Other names: c.6152C>T, p.Thr2051Ile (NM_001160227.2); short protein forms T2164I, T2051I.
Identifiers: ClinVar variation 572038 (VCV000572038.8), dbSNP rs1362623682, ClinGen allele CA392216077.

ClinVar aggregate classification (germline): Uncertain significance (1 of 4 stars; one submission).

Conditions:
Hereditary spastic paraplegia 11. Also called: Spastic paraplegia, mental retardation and thin corpus callosum; SPASTIC PARAPLEGIA, AUTOSOMAL RECESSIVE, COMPLICATED, WITH THIN CORPUS CALLOSUM; SPASTIC PARAPLEGIA, AUTOSOMAL RECESSIVE, WITH MENTAL IMPAIRMENT AND THIN CORPUS CALLOSUM; Nakamura Osame syndrome; Autosomal recessive hereditary spastic paraplegia, mental impairment, and thin corpus callosum; Spastic Paraplegia 11. Identifiers: Orphanet 2822, MedGen C1858479, MONDO:0011445, OMIM 604360.

Allele frequency attached by ClinVar (database versions not stated): TOPMed 0.00002.
gnomAD v4.1: 1 of 1,590,730 alleles (0.000063%); highest among the groups gnomAD compares: Non-Finnish European, 0.000086%; no homozygotes.

Submission:

Labcorp Genetics (formerly Invitae), Labcorp
Classification: Uncertain significance for Hereditary spastic paraplegia 11. Last evaluated: 2021-12-31. Review status: criteria provided, single submitter. Criteria: Invitae Variant Classification Sherloc (09022015). Collection method: clinical testing. Allele origin: germline.
Comment: In summary, the available evidence is currently insufficient to determine the role of this variant in disease. Therefore, it has been classified as a Variant of Uncertain Significance. Algorithms developed to predict the effect of missense changes on protein structure and function are either unavailable or do not agree on the potential impact of this missense change (SIFT: "Tolerated"; PolyPhen-2: "Probably Damaging"; Align-GVGD: "Class C0"). ClinVar contains an entry for this variant (Variation ID: 572038). This variant has not been reported in the literature in individuals affected with SPG11-related conditions. This variant is not present in population databases (gnomAD no frequency). This sequence change replaces threonine, which is neutral and polar, with isoleucine, which is neutral and non-polar, at codon 2164 of the SPG11 protein (p.Thr2164Ile).